The following is an entry in ClinVar:

ClinVar aggregate classification (germline): Uncertain significance. Review status: criteria provided, multiple submitters, no conflicts (2 of 4 stars). 2 submissions from 2 submitters: Uncertain significance (2). Last evaluated 2026-05-01.

Allele frequency attached by ClinVar (database versions not stated): TOPMed 0.00002; gnomAD 0.00003; ExAC 0.00005; gnomAD exomes 0.00007; ESP Exome Variant Server 0.00022.
gnomAD v4.1: 117 of 1,551,110 alleles (0.0075%); highest among the groups gnomAD compares: Non-Finnish European, 0.0089%; no homozygotes.

Submissions (2):

CeGaT Center for Human Genetics Tuebingen
Classification: Uncertain significance. Last evaluated: 2026-05-01. Review status: criteria provided, single submitter. Criteria: CeGaT Center For Human Genetics Tuebingen Variant Classification Criteria Version 2. Collection method: clinical testing. Allele origin: germline. Affected: yes. Observed: 1 variant allele.
Comment: FAM149B1: PM2, PM3

Ambry Genetics
Classification: Uncertain significance. Last evaluated: 2025-03-28. Review status: criteria provided, single submitter. Criteria: Ambry Variant Classification Scheme 2023. Collection method: clinical testing. Allele origin: germline.

NM_173348.2(FAM149B1):c.789T>G (p.Phe263Leu)

Gene: FAM149B1 (family with sequence similarity 149 member B1; plus strand). Cytogenetic location: 10q22.2.
Variant type: single nucleotide variant.
Coding change: c.789T>G on transcript NM_173348.2 (MANE Select); coding-DNA position 789, T replaced by G.
Protein change: p.Phe263Leu; replaces phenylalanine 263 with leucine.
Molecular consequence: missense variant.
Genome position (GRCh38, 1-based): chr10:73,210,329, T>G. VCF-style: chr10-73210329-T-G. GRCh37 (hg19) VCF-style: chr10-74970087-T-G.
Other names: short protein forms F263L.
Identifiers: ClinVar variation 3091902 (VCV003091902.4), dbSNP rs375715642, ClinGen allele CA5552875.